The following is an entry in ClinVar:

NM_015662.3(IFT172):c.2236T>G (p.Trp746Gly)

Gene: IFT172 (intraflagellar transport 172; minus strand). Cytogenetic location: 2p23.3.
Variant type: single nucleotide variant.
Coding change: c.2236T>G on transcript NM_015662.3 (MANE Select); coding-DNA position 2236, T replaced by G.
Protein change: p.Trp746Gly; replaces tryptophan 746 with glycine.
Molecular consequence: missense variant.
Genome position (GRCh38, 1-based): chr2:27,461,475, A>C on the plus strand (T>G on the coding strand, the complement: IFT172 is on the minus strand). VCF-style: chr2-27461475-A-C. GRCh37 (hg19) VCF-style: chr2-27684342-A-C.
Other names: c.2236T>G (NM_015662.2, NM_015662.1); c.2170T>G, p.Trp724Gly (NM_001410739.1); short protein forms W724G, W746G.
Identifiers: ClinVar variation 2164720 (VCV002164720.5), dbSNP rs757532132, ClinGen allele CA346384690.
Genomic context (GRCh38, chr2:27,461,475, plus strand): 5'-CATCCCCTTGGCTCTCCTGTAGTTCACCTGCTCGCTCCTCTTGCTGTGTGTCCATCAGCC[A>C]CTGGTAGTAACTACGACGTAGCTTCTCCAGGGCTGGGTGCCCCTGGACATGCACAGAGGA-3'
Protein context (NP_056477.1, residues 736-756): LEKLRRSYYQ[Trp746Gly]LMDTQQEERA

ClinVar aggregate classification (germline): Uncertain significance. Review status: criteria provided, multiple submitters, no conflicts (2 of 4 stars). 5 submissions from 5 submitters: Uncertain significance (4). 1 of the submissions does not count toward it. Last evaluated 2025-08-24.

Conditions:
Bardet-Biedl syndrome 20. Identifiers: MedGen C4310707, MONDO:0023670, OMIM 619471, MONDO:0014926.
Retinitis pigmentosa 71 (RP71). Identifiers: Orphanet 791, MedGen C4225342, MONDO:0014618, OMIM 616394.
Short-rib thoracic dysplasia 10 with or without polydactyly (SRTD10). Identifiers: Orphanet 474, MedGen C3810175, MONDO:0014284, OMIM 615630.
IFT172-related disorder. Also called: IFT172-related disorders; IFT172-related condition.
Inborn genetic diseases. Identifiers: MedGen C0950123, MeSH D030342.

Allele frequency attached by ClinVar (database versions not stated): gnomAD 0.00001; gnomAD exomes 0.00001; TOPMed 0.00002.
gnomAD v4.1: 6 of 1,613,992 alleles (0.00037%); highest among the groups gnomAD compares: Admixed American, 0.01%; no homozygotes.

Submissions (5):

Ambry Genetics
Classification: Uncertain significance for Inborn genetic diseases. Last evaluated: 2025-08-24. Review status: criteria provided, single submitter. Criteria: Ambry Variant Classification Scheme 2023. Collection method: clinical testing. Allele origin: germline.

Fulgent Genetics
Classification: Uncertain significance for Short-rib thoracic dysplasia 10 with or without polydactyly; Retinitis pigmentosa 71; Bardet-Biedl syndrome 20. Last evaluated: 2024-02-21. Review status: criteria provided, single submitter. Criteria: ACMG Guidelines, 2015. Collection method: clinical testing. Allele origin: germline.

Labcorp Genetics (formerly Invitae), Labcorp
Classification: Uncertain significance for Retinitis pigmentosa 71; Short-rib thoracic dysplasia 10 with or without polydactyly. Last evaluated: 2022-11-01. Review status: criteria provided, single submitter. Criteria: Invitae Variant Classification Sherloc (09022015). Collection method: clinical testing. Allele origin: germline.
Comment: This sequence change replaces tryptophan, which is neutral and slightly polar, with glycine, which is neutral and non-polar, at codon 746 of the IFT172 protein (p.Trp746Gly). This variant is present in population databases (no rsID available, gnomAD 0.009%). This variant has not been reported in the literature in individuals affected with IFT172-related conditions. Advanced modeling of protein sequence and biophysical properties (such as structural, functional, and spatial information, amino acid conservation, physicochemical variation, residue mobility, and thermodynamic stability) performed at Invitae indicates that this missense variant is expected to disrupt IFT172 protein function. In summary, the available evidence is currently insufficient to determine the role of this variant in disease. Therefore, it has been classified as a Variant of Uncertain Significance.

Blueprint Genetics
Classification: Uncertain significance. Last evaluated: 2021-10-11. Review status: criteria provided, single submitter. Criteria: ACMG Guidelines, 2015. Collection method: clinical testing. Allele origin: germline.

PreventionGenetics, part of Exact Sciences
Classification: Uncertain significance for IFT172-related condition. Last evaluated: 2024-07-11. Review status: no assertion criteria provided. Collection method: clinical testing. Allele origin: germline. Not counted in ClinVar's aggregate classification.
Comment: The IFT172 c.2236T>G variant is predicted to result in the amino acid substitution p.Trp746Gly. To our knowledge, this variant has not been reported in the literature. This variant is reported in 0.012% of alleles in individuals of Latino descent in gnomAD. At this time, the clinical significance of this variant is uncertain due to the absence of conclusive functional and genetic evidence.